The following is an entry in ClinVar:

NM_001458.5(FLNC):c.3812C>G (p.Thr1271Ser)

Gene: FLNC (filamin C; plus strand). Cytogenetic location: 7q32.1.
Variant type: single nucleotide variant.
Coding change: c.3812C>G on transcript NM_001458.5 (MANE Select); coding-DNA position 3812, C replaced by G.
Protein change: p.Thr1271Ser; replaces threonine 1271 with serine.
Molecular consequence: missense variant.
Genome position (GRCh38, 1-based): chr7:128,846,011, C>G. VCF-style: chr7-128846011-C-G. GRCh37 (hg19) VCF-style: chr7-128486065-C-G.
Other names: c.3812C>G, p.Thr1271Ser (NM_001127487.2); short protein forms T1271S.
Identifiers: ClinVar variation 703994 (VCV000703994.21), dbSNP rs778997084, ClinGen allele CA4475148.

ClinVar aggregate classification (germline): Benign/Likely benign. Review status: criteria provided, multiple submitters, no conflicts (2 of 4 stars). 7 submissions from 7 submitters: Benign (1); Likely benign (6). Last evaluated 2026-06-01.

Conditions:
Myofibrillar myopathy 5. Also called: Filaminopathy (type); FILAMINOPATHY, AUTOSOMAL DOMINANT. Identifiers: Orphanet 171445, MedGen C1836050, MONDO:0012289, OMIM 609524.
Distal myopathy with posterior leg and anterior hand involvement. Also called: WILLIAMS DISTAL MYOPATHY. Identifiers: Orphanet 63273, MedGen C3279722, MONDO:0013550, OMIM 614065.
Hypertrophic cardiomyopathy 26. Also called: Cardiomyopathy, familial hypertrophic, 26. Identifiers: Orphanet 75249, MedGen C4310749, MONDO:0014883, OMIM 617047.
Cardiovascular phenotype. Identifiers: MedGen CN230736.

Allele frequency attached by ClinVar (database versions not stated): gnomAD 0.00002; gnomAD exomes 0.00004 and 0.00018; TOPMed 0.00010; ExAC 0.00018.
gnomAD v4.1: 54 of 1,613,754 alleles (0.0033%); highest among the groups gnomAD compares: Admixed American, 0.088%; no homozygotes.

Submissions (7):

CeGaT Center for Human Genetics Tuebingen
Classification: Likely benign. Last evaluated: 2026-06-01. Review status: criteria provided, single submitter. Criteria: CeGaT Center For Human Genetics Tuebingen Variant Classification Criteria Version 2. Collection method: clinical testing. Allele origin: germline. Affected: yes. Observed: 1 variant allele.
Comment: FLNC: BS1

Women's Health and Genetics/Laboratory Corporation of America, LabCorp
Classification: Likely benign. Last evaluated: 2026-02-14. Review status: criteria provided, single submitter. Criteria: LabCorp Variant Classification Summary - May 2015. Collection method: clinical testing. Allele origin: germline.

Labcorp Genetics (formerly Invitae), Labcorp
Classification: Likely benign for Distal myopathy with posterior leg and anterior hand involvement; Myofibrillar myopathy 5; Hypertrophic cardiomyopathy 26. Last evaluated: 2025-12-31. Review status: criteria provided, single submitter. Criteria: Invitae Variant Classification Sherloc (09022015). Collection method: clinical testing. Allele origin: germline.

Revvity Omics, Revvity
Classification: Likely benign. Last evaluated: 2025-08-04. Review status: criteria provided, single submitter. Criteria: ACMG Guidelines, 2015. Collection method: clinical testing. Allele origin: germline.

Ambry Genetics
Classification: Likely benign for Cardiovascular phenotype. Last evaluated: 2021-06-22. Review status: criteria provided, single submitter. Criteria: Ambry Variant Classification Scheme 2023. Collection method: clinical testing. Allele origin: germline.

GeneDx
Classification: Benign. Last evaluated: 2021-05-26. Review status: criteria provided, single submitter. Criteria: GeneDx Variant Classification Process June 2021. Collection method: clinical testing. Allele origin: germline. Affected: yes.

Blueprint Genetics
Classification: Likely benign. Last evaluated: 2019-01-10. Review status: criteria provided, single submitter. Criteria: ACMG Guidelines, 2015. Collection method: clinical testing. Allele origin: germline.